The following is an entry in ClinVar:

NM_006005.3(WFS1):c.96G>A (p.Ser32=)

Gene: WFS1 (wolframin ER transmembrane glycoprotein; plus strand). Cytogenetic location: 4p16.1.
Variant type: single nucleotide variant.
Coding change: c.96G>A on transcript NM_006005.3 (MANE Select); coding-DNA position 96, G replaced by A.
Protein change: p.Ser32=; no amino-acid change (serine 32 retained).
Molecular consequence: synonymous variant.
Genome position (GRCh38, 1-based): chr4:6,277,551, G>A. VCF-style: chr4-6277551-G-A. GRCh37 (hg19) VCF-style: chr4-6279278-G-A.
Other names: p.Ser32=; c.96G>A, p.Ser32= (NM_001145853.1).
Identifiers: ClinVar variation 166566 (VCV000166566.23), dbSNP rs71539660, ClinGen allele CA295566.
Genomic context (GRCh38, chr4:6,277,551, plus strand): 5'-CCCACAGCCCCCGCCAGCACCGCAGCCCCAGGCGCGTTCCCGACTCAATGCCACAGCCTC[G>A]TTGGAGCAGGAGAGGAGCGAAAGGCCCCGAGCACCCGGACCCCAGGCTGGCCCTGGCCCT-3'
Protein context (NP_005996.2, residues 22-42): QARSRLNATA[Ser32=]LEQERSERPR

ClinVar aggregate classification (germline): Benign/Likely benign. Review status: criteria provided, multiple submitters, no conflicts (2 of 4 stars). 10 submissions from 10 submitters: Benign (5); Likely benign (2). 3 of the submissions do not count toward it. Last evaluated 2026-01-08.

Conditions:
Wolfram syndrome 1 (WFS1). Identifiers: Orphanet 3463, MedGen C4551693, MONDO:0009101, OMIM 222300.
WFS1-related disorder. Identifiers: MedGen CN379391, MONDO:0700293.

Allele frequency attached by ClinVar (database versions not stated): ExAC 0.00079; 1000 Genomes Project 0.00080; gnomAD 0.00096 and 0.00106; 1000 Genomes Project 30x 0.00109; TOPMed 0.00116; ESP Exome Variant Server 0.00147.
gnomAD v4.1: 294 of 1,590,242 alleles (0.018%); highest among the groups gnomAD compares: African/African-American, 0.34%; 1 homozygote.

Submissions (10):

Labcorp Genetics (formerly Invitae), Labcorp
Classification: Benign. Last evaluated: 2026-01-08. Review status: criteria provided, single submitter. Criteria: Invitae Variant Classification Sherloc (09022015). Collection method: clinical testing. Allele origin: germline.

Mayo Clinic Laboratories, Mayo Clinic
Classification: Likely benign. Last evaluated: 2025-03-25. Review status: criteria provided, single submitter. Criteria: ACMG Guidelines, 2015. Collection method: clinical testing. Allele origin: germline. Observed: 1 variant allele.
Comment: BS1, BP4, BP7

Blueprint Genetics
Classification: Likely benign. Last evaluated: 2024-06-07. Review status: criteria provided, single submitter. Criteria: ACMG Guidelines, 2015. Collection method: clinical testing. Allele origin: germline.

Laboratory for Molecular Medicine, Mass General Brigham Personalized Medicine
Classification: Benign. Last evaluated: 2015-07-21. Review status: criteria provided, single submitter. Criteria: LMM Criteria. Collection method: clinical testing. Allele origin: germline. Observed: 2 variant alleles.
Comment: p.Ser32Ser in exon 2 of WFS1: This variant is not expected to have clinical sign ificance because it does not alter an amino acid residue, is not located within the splice consensus sequence, and has been identified in 0.7% (23/3232) of Afri can chromosomes by the Exome Aggregation Consortium (ExAC; dbSNP; dbSNP rs71539660).

GeneDx
Classification: Benign. Last evaluated: 2014-12-29. Review status: criteria provided, single submitter. Criteria: GeneDx Variant Classification (06012015). Collection method: clinical testing. Allele origin: germline. Affected: yes.
Comment: This variant is considered likely benign or benign based on one or more of the following criteria: it is a conservative change, it occurs at a poorly conserved position in the protein, it is predicted to be benign by multiple in silico algorithms, and/or has population frequency not consistent with disease.

Breakthrough Genomics
Classification: Benign. Review status: criteria provided, single submitter. Criteria: ACMG Guidelines, 2015. Collection method: not provided. Allele origin: germline. Inheritance: Autosomal recessive inheritance. Affected: yes.

Clinical Genomics, Uppaluri K&H Personalized Medicine Clinic
Classification: Benign for Wolfram syndrome 1. Review status: criteria provided, single submitter. Criteria: K & H Uppaluri Personalized Medicine Clinic Variant Classification & Assertion Criteria_Updated V.1. Collection method: research. Allele origin: unknown. Inheritance: Autosomal recessive inheritance.
Comment: Potent mutations in WFS1 gene are associated with Wolfram's syndrome, an autosomal recessive condition, which cause diabetes mellitus, diabetes insipidus, deafness and optic atrophy. However no sufficient evidence is found to ascertain the role of this particular variant rs71539660 in Wolfram's syndrome yet.

PreventionGenetics, part of Exact Sciences
Classification: Likely benign for WFS1-related condition. Last evaluated: 2019-05-30. Review status: no assertion criteria provided. Collection method: clinical testing. Allele origin: germline. Not counted in ClinVar's aggregate classification.
Comment: This variant is classified as likely benign based on ACMG/AMP sequence variant interpretation guidelines (Richards et al. 2015 PMID: 25741868, with internal and published modifications).

Clinical Genetics DNA and cytogenetics Diagnostics Lab, Erasmus MC, Erasmus Medical Center
Classification: Likely benign. Review status: no assertion criteria provided. Collection method: clinical testing. Allele origin: germline. Affected: yes. Study: VKGL Data-share Consensus. Not counted in ClinVar's aggregate classification.

Clinical Genetics, Academic Medical Center
Classification: Benign. Review status: no assertion criteria provided. Collection method: clinical testing. Allele origin: germline. Affected: yes. Study: VKGL Data-share Consensus. Not counted in ClinVar's aggregate classification.

Literature cited by the submitters: PubMed 20738327 (cited by Clinical Genomics, Uppaluri K&H Personalized Medicine Clinic); PubMed 33879153 (cited by Clinical Genomics, Uppaluri K&H Personalized Medicine Clinic); PubMed 12955714 (cited by Clinical Genomics, Uppaluri K&H Personalized Medicine Clinic); PubMed 18060660 (cited by Clinical Genomics, Uppaluri K&H Personalized Medicine Clinic); PubMed 20301750 (cited by Clinical Genomics, Uppaluri K&H Personalized Medicine Clinic); PubMed 17603484 (cited by Clinical Genomics, Uppaluri K&H Personalized Medicine Clinic).